The following is an entry in ClinVar:

NM_024824.5(ZC3H14):c.853A>T (p.Ser285Cys)

Gene: ZC3H14 (zinc finger CCCH-type containing 14; plus strand). Cytogenetic location: 14q31.3.
Variant type: single nucleotide variant.
Coding change: c.853A>T on transcript NM_024824.5 (MANE Select); coding-DNA position 853, A replaced by T.
Protein change: p.Ser285Cys; replaces serine 285 with cysteine.
Molecular consequence: missense variant. On other transcripts: non-coding transcript variant (1).
Genome position (GRCh38, 1-based): chr14:88,572,999, A>T. VCF-style: chr14-88572999-A-T. GRCh37 (hg19) VCF-style: chr14-89039343-A-T.
Other names: c.853A>T, p.Ser285Cys (NM_001160103.2, NM_001160104.2, NM_001326295.2 and 9 more transcripts); c.751A>T, p.Ser251Cys (NM_001326297.2, NM_001326301.2, NM_001326303.2 and 3 more transcripts); c.388A>T, p.Ser130Cys (NM_001326300.2, NM_001326302.2, NM_001326304.2 and 5 more transcripts); short protein forms S130C, S285C, S251C.
Identifiers: ClinVar variation 728973 (VCV000728973.6), dbSNP rs145521296, ClinGen allele CA7300308.

ClinVar aggregate classification (germline): Conflicting classifications of pathogenicity. Review status: criteria provided, conflicting classifications (1 of 4 stars). 4 submissions from 4 submitters: Uncertain significance (2); Likely benign (2). Last evaluated 2025-07-31.

Conditions:
Intellectual developmental disorder, autosomal recessive 56. Also called: Intellectual disability, autosomal recessive 56. Identifiers: MedGen C4310703, MONDO:0014930, OMIM 617125.

Allele frequency attached by ClinVar (database versions not stated): ExAC 0.00040; gnomAD 0.00165 and 0.00177; TOPMed 0.00197; gnomAD exomes 0.00032; 1000 Genomes Project 0.00080; ESP Exome Variant Server 0.00154; 1000 Genomes Project 30x 0.00094.
gnomAD v4.1: 446 of 1,613,978 alleles (0.028%); highest among the groups gnomAD compares: African/African-American, 0.56%; 1 homozygote.

Submissions (4):

Ambry Genetics
Classification: Uncertain significance. Last evaluated: 2025-07-31. Review status: criteria provided, single submitter. Criteria: Ambry Variant Classification Scheme 2023. Collection method: clinical testing. Allele origin: germline.

Women's Health and Genetics/Laboratory Corporation of America, LabCorp
Classification: Likely benign. Last evaluated: 2024-11-20. Review status: criteria provided, single submitter. Criteria: LabCorp Variant Classification Summary - May 2015. Collection method: clinical testing. Allele origin: germline.
Comment: Variant summary: ZC3H14 c.853A>T (p.Ser285Cys) results in a non-conservative amino acid change in the encoded protein sequence. Three of five in-silico tools predict a benign effect of the variant on protein function. The variant allele was found at a frequency of 0.00032 in 250578 control chromosomes, predominantly at a frequency of 0.0047 within the African or African-American subpopulation in the gnomAD database. The observed variant frequency within African or African-American control individuals in the gnomAD database exceeds the estimated maximal expected allele frequency for a pathogenic variant in ZC3H14 causing Intellectual Disability, Autosomal Recessive 56 phenotype. To our knowledge, no occurrence of c.853A>T in individuals affected with Intellectual Disability, Autosomal Recessive 56 and no experimental evidence demonstrating its impact on protein function have been reported. ClinVar contains an entry for this variant (Variation ID: 728973). Based on the evidence outlined above, the variant was classified as likely benign.

Labcorp Genetics (formerly Invitae), Labcorp
Classification: Likely benign. Last evaluated: 2018-05-24. Review status: criteria provided, single submitter. Criteria: Invitae Variant Classification Sherloc (09022015). Collection method: clinical testing. Allele origin: germline.

Baylor Genetics
Classification: Uncertain significance for Intellectual developmental disorder, autosomal recessive 56. Last evaluated: 2018-05-21. Review status: criteria provided, single submitter. Criteria: ACMG Guidelines, 2015. Collection method: clinical testing. Allele origin: unknown. Affected: yes.
Comment: This variant was determined to be of uncertain significance according to ACMG Guidelines, 2015 [PMID:25741868].